The following is an entry in ClinVar:

ClinVar aggregate classification (germline): Uncertain significance. Review status: criteria provided, multiple submitters, no conflicts (2 of 4 stars). 3 submissions from 3 submitters: Uncertain significance (3). Last evaluated 2022-06-21.

Conditions:
Hereditary hemochromatosis (HFE). Identifiers: MedGen C0392514, MONDO:0006507. Disease mechanism: loss of function.
Inborn genetic diseases. Identifiers: MedGen C0950123, MeSH D030342.

Allele frequency attached by ClinVar (database versions not stated): gnomAD 0.00002 and 0.00003; TOPMed 0.00005; gnomAD exomes 0.00007; ExAC 0.00008; ESP Exome Variant Server 0.00008.
gnomAD v4.1: 143 of 1,613,832 alleles (0.0089%); highest among the groups gnomAD compares: Middle Eastern, 0.099%; no homozygotes.

Submissions (3):

Labcorp Genetics (formerly Invitae), Labcorp
Classification: Uncertain significance for Hereditary hemochromatosis. Last evaluated: 2022-06-21. Review status: criteria provided, single submitter. Criteria: Invitae Variant Classification Sherloc (09022015). Collection method: clinical testing. Allele origin: germline.
Comment: This sequence change replaces arginine, which is basic and polar, with cysteine, which is neutral and slightly polar, at codon 774 of the TFR2 protein (p.Arg774Cys). This variant is present in population databases (rs146487447, gnomAD 0.01%). This variant has not been reported in the literature in individuals affected with TFR2-related conditions. ClinVar contains an entry for this variant (Variation ID: 810142). Algorithms developed to predict the effect of missense changes on protein structure and function (SIFT, PolyPhen-2, Align-GVGD) all suggest that this variant is likely to be disruptive. In summary, the available evidence is currently insufficient to determine the role of this variant in disease. Therefore, it has been classified as a Variant of Uncertain Significance.

Ambry Genetics
Classification: Uncertain significance for Inborn genetic diseases. Last evaluated: 2021-08-16. Review status: criteria provided, single submitter. Criteria: Ambry Variant Classification Scheme 2023. Collection method: clinical testing. Allele origin: germline.

Breakthrough Genomics
Classification: Uncertain significance. Review status: criteria provided, single submitter. Criteria: ACMG Guidelines, 2015. Collection method: not provided. Allele origin: germline. Inheritance: Autosomal recessive inheritance. Affected: yes.

NM_003227.4(TFR2):c.2320C>T (p.Arg774Cys)

Gene: TFR2 (transferrin receptor 2; minus strand). Cytogenetic location: 7q22.1.
Variant type: single nucleotide variant.
Coding change: c.2320C>T on transcript NM_003227.4 (MANE Select); coding-DNA position 2320, C replaced by T.
Protein change: p.Arg774Cys; replaces arginine 774 with cysteine.
Molecular consequence: missense variant.
Genome position (GRCh38, 1-based): chr7:100,620,943, G>A on the plus strand (C>T on the coding strand, the complement: TFR2 is on the minus strand). VCF-style: chr7-100620943-G-A. GRCh37 (hg19) VCF-style: chr7-100218566-G-A.
Other names: c.1807C>T, p.Arg603Cys (NM_001206855.3); c.2320C>T (NM_003227.3); short protein forms R603C, R774C.
Identifiers: ClinVar variation 2037853 (VCV002037853.3), dbSNP rs146487447, ClinGen allele CA4386155.